The following is an entry in ClinVar:

ClinVar aggregate classification (germline): Uncertain significance. Review status: criteria provided, multiple submitters, no conflicts (2 of 4 stars). 2 submissions from 2 submitters: Uncertain significance (2). Last evaluated 2025-06-22.

Conditions:
Arginine:glycine amidinotransferase deficiency (CCDS3). Also called: AGAT deficiency; L-Arginine:Glycine Amidinotransferase (AGAT) Deficiency; Cerebral creatine deficiency syndrome 3; L-Arginine:Glycine Amidinotransferase Deficiency; Creatine deficiency syndrome due to AGAT deficiency; GATM deficiency. Identifiers: Orphanet 35704, MedGen C2675179, MONDO:0012996, OMIM 612718.

Allele frequency attached by ClinVar (database versions not stated): gnomAD exomes below 0.00001.
gnomAD v4.1: 1 of 1,614,006 alleles (0.000062%); highest among the groups gnomAD compares: Non-Finnish European, 0.000085%; no homozygotes.

Submissions (2):

Labcorp Genetics (formerly Invitae), Labcorp
Classification: Uncertain significance for Arginine:glycine amidinotransferase deficiency. Last evaluated: 2025-06-22. Review status: criteria provided, single submitter. Criteria: Invitae Variant Classification Sherloc (09022015). Collection method: clinical testing. Allele origin: germline.
Comment: This sequence change replaces arginine, which is basic and polar, with threonine, which is neutral and polar, at codon 290 of the GATM protein (p.Arg290Thr). This variant is not present in population databases (gnomAD no frequency). This variant has not been reported in the literature in individuals affected with GATM-related conditions. ClinVar contains an entry for this variant (Variation ID: 198135). Invitae Evidence Modeling of protein sequence and biophysical properties (such as structural, functional, and spatial information, amino acid conservation, physicochemical variation, residue mobility, and thermodynamic stability) indicates that this missense variant is not expected to disrupt GATM protein function with a negative predictive value of 95%. In summary, the available evidence is currently insufficient to determine the role of this variant in disease. Therefore, it has been classified as a Variant of Uncertain Significance.

Eurofins Ntd Llc (ga)
Classification: Uncertain significance. Last evaluated: 2014-11-06. Review status: criteria provided, single submitter. Criteria: EGL Classification Definitions 2015. Collection method: clinical testing. Allele origin: germline. Observed: 1 variant allele, 1 heterozygote.

NM_001482.3(GATM):c.869G>C (p.Arg290Thr)

Gene: GATM (glycine amidinotransferase; minus strand). Cytogenetic location: 15q21.1.
Variant type: single nucleotide variant.
Coding change: c.869G>C on transcript NM_001482.3 (MANE Select); coding-DNA position 869, G replaced by C.
Protein change: p.Arg290Thr; replaces arginine 290 with threonine.
Molecular consequence: missense variant.
Genome position (GRCh38, 1-based): chr15:45,366,155, C>G on the plus strand (G>C on the coding strand, the complement: GATM is on the minus strand). VCF-style: chr15-45366155-C-G. GRCh37 (hg19) VCF-style: chr15-45658353-C-G.
Other names: c.482G>C, p.Arg161Thr (NM_001321015.2); short protein forms R290T, R161T.
Identifiers: ClinVar variation 198135 (VCV000198135.6), dbSNP rs794727787, ClinGen allele CA246636.